The following is an entry in ClinVar:

NM_000206.3(IL2RG):c.62T>C (p.Val21Ala)

Genes: IL2RG (interleukin 2 receptor subunit gamma; minus strand), LOC126863274 (MED14-independent group 3 enhancer GRCh37_chrX:70330888-70332087; plus strand). Cytogenetic location: Xq13.1.
Variant type: single nucleotide variant.
Coding change: c.62T>C on transcript NM_000206.3 (MANE Select); coding-DNA position 62, T replaced by C.
Protein change: p.Val21Ala; replaces valine 21 with alanine.
Molecular consequence: missense variant.
Genome position (GRCh38, 1-based): chrX:71,111,478, A>G on the plus strand (T>C on the coding strand, the complement: IL2RG is on the minus strand). VCF-style: chrX-71111478-A-G. GRCh37 (hg19) VCF-style: chrX-70331328-A-G.
Other names: short protein forms V21A.
Identifiers: ClinVar variation 852673 (VCV000852673.10), dbSNP rs376612175, ClinGen allele CA330970880.
Genomic context (GRCh38, chrX:71,111,478, plus strand): 5'-TTCCCACCAGCTGTGGTGTCTTCATTCCCATTGGGCGTCAGAATTGTCGTGTTCAGCCCC[A>G]CTCCCAGCAGGGGCAGCTGCAGGAATAAGAGGGATGTGAATGGTAATGATGGCTTCAACA-3'
Protein context (NP_000197.1, residues 11-31): LLFLQLPLLG[Val21Ala]GLNTTILTPN

ClinVar aggregate classification (germline): Uncertain significance (1 of 4 stars; one submission).

Conditions:
X-linked severe combined immunodeficiency (SCIDX1). Also called: T-B+ severe combined immunodeficiency due to gamma chain deficiency; SCID, X-LINKED; SEVERE COMBINED IMMUNODEFICIENCY, X-LINKED, T CELL-NEGATIVE, B CELL-POSITIVE, NK CELL-NEGATIVE; IMMUNODEFICIENCY 4; X-Linked Combined Immunodeficiency Diseases. Identifiers: Orphanet 276, MedGen C6022468, MONDO:0010315, OMIM 300400. Disease mechanism: loss of function.

Submission:

Labcorp Genetics (formerly Invitae), Labcorp
Classification: Uncertain significance for X-linked severe combined immunodeficiency. Last evaluated: 2022-07-19. Review status: criteria provided, single submitter. Criteria: Invitae Variant Classification Sherloc (09022015). Collection method: clinical testing. Allele origin: germline.
Comment: In summary, the available evidence is currently insufficient to determine the role of this variant in disease. Therefore, it has been classified as a Variant of Uncertain Significance. Advanced modeling of protein sequence and biophysical properties (such as structural, functional, and spatial information, amino acid conservation, physicochemical variation, residue mobility, and thermodynamic stability) performed at Invitae indicates that this missense variant is not expected to disrupt IL2RG protein function. ClinVar contains an entry for this variant (Variation ID: 852673). This variant has not been reported in the literature in individuals affected with IL2RG-related conditions. This variant is not present in population databases (gnomAD no frequency). This sequence change replaces valine, which is neutral and non-polar, with alanine, which is neutral and non-polar, at codon 21 of the IL2RG protein (p.Val21Ala).